The following is an entry in ClinVar:

NM_018941.4(CLN8):c.187T>C (p.Phe63Leu)

Gene: CLN8 (CLN8 transmembrane ER and ERGIC protein; plus strand). Cytogenetic location: 8p23.3.
Variant type: single nucleotide variant.
Coding change: c.187T>C on transcript NM_018941.4 (MANE Select); coding-DNA position 187, T replaced by C.
Protein change: p.Phe63Leu; replaces phenylalanine 63 with leucine.
Molecular consequence: missense variant.
Genome position (GRCh38, 1-based): chr8:1,771,241, T>C. VCF-style: chr8-1771241-T-C. GRCh37 (hg19) VCF-style: chr8-1719407-T-C.
Other names: short protein forms F63L.
Identifiers: ClinVar variation 2048739 (VCV002048739.1), dbSNP rs201327850, ClinGen allele CA4599221.

ClinVar aggregate classification (germline): Uncertain significance (1 of 4 stars; one submission).

Conditions:
Neuronal ceroid lipofuscinosis. Also called: Neuronal Ceroid Lipofuscinoses. Identifiers: Orphanet 216, Orphanet 79263, MedGen C0027877, MONDO:0016295. Disease mechanism: loss of function.

Allele frequency attached by ClinVar (database versions not stated): ExAC 0.00001; gnomAD exomes 0.00001; TOPMed 0.00001.
gnomAD v4.1: 16 of 1,613,666 alleles (0.00099%); no homozygotes.

Submission:

Labcorp Genetics (formerly Invitae), Labcorp
Classification: Uncertain significance for Neuronal ceroid lipofuscinosis. Last evaluated: 2022-06-25. Review status: criteria provided, single submitter. Criteria: Invitae Variant Classification Sherloc (09022015). Collection method: clinical testing. Allele origin: germline.
Comment: This sequence change replaces phenylalanine, which is neutral and non-polar, with leucine, which is neutral and non-polar, at codon 63 of the CLN8 protein (p.Phe63Leu). This variant is present in population databases (rs201327850, gnomAD 0.04%). This variant has not been reported in the literature in individuals affected with CLN8-related conditions. Algorithms developed to predict the effect of missense changes on protein structure and function are either unavailable or do not agree on the potential impact of this missense change (SIFT: "Tolerated"; PolyPhen-2: "Probably Damaging"; Align-GVGD: "Class C0"). In summary, the available evidence is currently insufficient to determine the role of this variant in disease. Therefore, it has been classified as a Variant of Uncertain Significance.